The following is an entry in ClinVar:

ClinVar aggregate classification (germline): Pathogenic (1 of 4 stars; one submission).

Conditions:
Ataxia-telangiectasia syndrome (AT). Also called: Cerebello-oculocutaneous telangiectasia; Immunodeficiency with ataxia telangiectasia; Ataxia-telangiectasia, complementation group E; Ataxia-telangiectasia, complementation group D; AT, COMPLEMENTATION GROUP C; ATAXIA-TELANGIECTASIA, COMPLEMENTATION GROUP A. Identifiers: Orphanet 100, MedGen C0004135, MONDO:0008840, OMIM 208900.

Submission:

Labcorp Genetics (formerly Invitae), Labcorp
Classification: Pathogenic for Ataxia-telangiectasia syndrome. Last evaluated: 2023-04-11. Review status: criteria provided, single submitter. Criteria: Invitae Variant Classification Sherloc (09022015). Collection method: clinical testing. Allele origin: germline.
Comment: For these reasons, this variant has been classified as Pathogenic. This variant disrupts the c.72G>C nucleotide in the ATM gene. Other variant(s) that disrupt this nucleotide have been determined to be pathogenic (Invitae). This suggests that this nucleotide is clinically significant, and that variants that disrupt this position are likely to be disease-causing. Other variant(s) that result in disruption of the initiator codon have been determined to be pathogenic (PMID: 8845835, 9463314, 12552559, 21792198, 22649200; Invitae). This suggests that this variant may also be clinically significant and likely to be disease-causing. Variants that disrupt the consensus splice site are a relatively common cause of aberrant splicing (PMID: 17576681, 9536098). Studies have shown that this variant results in skipping of exon 2, and is expected to result in the loss of the initiator methionine (Invitae). This variant has not been reported in the literature in individuals affected with ATM-related conditions. This variant is not present in population databases (gnomAD no frequency). This sequence change affects codon 24 of the ATM mRNA. It is a 'silent' change, meaning that it does not change the encoded amino acid sequence of the ATM protein. RNA analysis indicates that this variant induces altered splicing and is likely to result in the loss of the initiator methionine.

Literature cited by the submitters: PubMed 8845835; PubMed 9463314; PubMed 12552559; PubMed 21792198; PubMed 22649200; PubMed 17576681; PubMed 9536098.

NM_000051.4(ATM):c.72G>A (p.Lys24=)

Gene: ATM (ATM serine/threonine kinase; plus strand). Cytogenetic location: 11q22.3.
Variant type: single nucleotide variant.
Coding change: c.72G>A on transcript NM_000051.4 (MANE Select); coding-DNA position 72, G replaced by A.
Protein change: p.Lys24=; no amino-acid change (lysine 24 retained).
Molecular consequence: synonymous variant.
Genome position (GRCh38, 1-based): chr11:108,227,696, G>A. VCF-style: chr11-108227696-G-A. GRCh37 (hg19) VCF-style: chr11-108098423-G-A.
Other names: c.72G>A, p.Lys24= (NM_001351834.2, NM_001351835.2, NM_001351836.2).
Identifiers: ClinVar variation 2727621 (VCV002727621.3), dbSNP rs2135006985, ClinGen allele CA476667986.